The following is an entry in ClinVar:

NM_003673.4(TCAP):c.461G>A (p.Arg154His)

Gene: TCAP (titin-cap; plus strand). Cytogenetic location: 17q12.
Variant type: single nucleotide variant.
Coding change: c.461G>A on transcript NM_003673.4 (MANE Select); coding-DNA position 461, G replaced by A.
Protein change: p.Arg154His; replaces arginine 154 with histidine.
Molecular consequence: missense variant.
Genome position (GRCh38, 1-based): chr17:39,666,066, G>A. VCF-style: chr17-39666066-G-A. GRCh37 (hg19) VCF-style: chr17-37822319-G-A.
Other names: short protein forms R154H.
Identifiers: ClinVar variation 952272 (VCV000952272.12), dbSNP rs780544264, ClinGen allele CA8532916.

ClinVar aggregate classification (germline): Uncertain significance. Review status: criteria provided, multiple submitters, no conflicts (2 of 4 stars). 4 submissions from 4 submitters: Uncertain significance (4). Last evaluated 2026-08-26.

Conditions:
Hypertrophic cardiomyopathy 25 (CMH25). Also called: CARDIOMYOPATHY, FAMILIAL HYPERTROPHIC, 25. Identifiers: MedGen C4225408, MONDO:0011843, OMIM 607487.
Primary familial hypertrophic cardiomyopathy (HCM). Identifiers: Orphanet 99739, MedGen C0949658, MeSH D024741, MONDO:0024573. Inheritance: Various modes of inheritance.
Cardiovascular phenotype. Identifiers: MedGen CN230736.
TCAP-related disorder. Also called: TCAP-related condition.

Allele frequency attached by ClinVar (database versions not stated): gnomAD exomes 0.00002; ExAC 0.00003; gnomAD 0.00003 and 0.00002; TOPMed 0.00002.
gnomAD v4.1: 17 of 1,603,666 alleles (0.0011%); highest among the groups gnomAD compares: Admixed American, 0.0083%; no homozygotes.

Submissions (4):

Ambry Genetics
Classification: Uncertain significance for Cardiovascular phenotype. Last evaluated: 2026-08-26. Review status: criteria provided, single submitter. Criteria: Ambry Variant Classification Scheme 2023. Collection method: clinical testing. Allele origin: germline.
Comment: The p.R154H variant (also known as c.461G>A), located in coding exon 2 of the TCAP gene, results from a G to A substitution at nucleotide position 461. The arginine at codon 154 is replaced by histidine, an amino acid with highly similar properties. This variant was reported in individual(s) with features consistent with limb girdle muscular dystrophy (Bevilacqua JA et al. Front Genet, 2024 Nov;15:1477291). This amino acid position is well conserved in available vertebrate species. In addition, the in silico prediction for this alteration is inconclusive. Based on the available evidence, the clinical significance of this variant remains unclear.

PreventionGenetics, part of Exact Sciences
Classification: Uncertain significance for TCAP-related condition. Last evaluated: 2026-04-29. Review status: criteria provided, single submitter. Criteria: ACMG Guidelines, 2015. Collection method: clinical testing. Allele origin: germline.
Comment: The TCAP c.461G>A variant is predicted to result in the amino acid substitution p.Arg154His. This variant has been reported as a variant of uncertain significance in an individual with hypertrophic cardiomyopathy (Table S2, Chan et al. 2022. PubMed ID: 35747179). This variant is reported in 0.014% of alleles in individuals of Latino descent in gnomAD. At this time, the clinical significance of this variant is uncertain due to the absence of conclusive functional and genetic evidence.

Labcorp Genetics (formerly Invitae), Labcorp
Classification: Uncertain significance for Hypertrophic cardiomyopathy 25; Primary familial hypertrophic cardiomyopathy. Last evaluated: 2025-10-09. Review status: criteria provided, single submitter. Criteria: Invitae Variant Classification Sherloc (09022015). Collection method: clinical testing. Allele origin: germline.
Comment: This sequence change replaces arginine, which is basic and polar, with histidine, which is basic and polar, at codon 154 of the TCAP protein (p.Arg154His). This variant is present in population databases (rs780544264, gnomAD 0.01%). This missense change has been observed in individual(s) with clinical features of limb girdle muscular dystrophy (PMID: 39678382). ClinVar contains an entry for this variant (Variation ID: 952272). An algorithm developed to predict the effect of missense changes on protein structure and function (PolyPhen-2) suggests that this variant is likely to be disruptive. In summary, the available evidence is currently insufficient to determine the role of this variant in disease. Therefore, it has been classified as a Variant of Uncertain Significance.

Revvity Omics, Revvity
Classification: Uncertain significance. Last evaluated: 2023-08-02. Review status: criteria provided, single submitter. Criteria: ACMG Guidelines, 2015. Collection method: clinical testing. Allele origin: germline.

Literature cited by the submitters: PubMed 39678382 (cited by Ambry Genetics and Labcorp Genetics (formerly Invitae), Labcorp).